The following is an entry in ClinVar:

ClinVar aggregate classification (germline): Pathogenic. Review status: criteria provided, multiple submitters, no conflicts (2 of 4 stars). 3 submissions from 3 submitters: Pathogenic (3). Last evaluated 2025-10-01.

Conditions:
Intellectual developmental disorder, autosomal dominant 1. Also called: Intellectual disability, autosomal dominant 1; MBD5 Haploinsufficiency. Identifiers: Orphanet 228402, MedGen C1969562, MONDO:0007974, OMIM 156200.

Submissions (3):

CeGaT Center for Human Genetics Tuebingen
Classification: Pathogenic. Last evaluated: 2025-10-01. Review status: criteria provided, single submitter. Criteria: CeGaT Center For Human Genetics Tuebingen Variant Classification Criteria Version 2. Collection method: clinical testing. Allele origin: germline. Affected: yes. Observed: 1 variant allele.
Comment: MBD5: PVS1, PM2, PS2:Moderate, PS4:Moderate

Institute of Medical Genetics and Applied Genomics, University Hospital Tübingen
Classification: Pathogenic. Last evaluated: 2020-10-23. Review status: criteria provided, single submitter. Criteria: ACMG Guidelines, 2015. Collection method: clinical testing. Allele origin: germline. Inheritance: Unknown mechanism. Affected: yes.

Labcorp Genetics (formerly Invitae), Labcorp
Classification: Pathogenic for Intellectual developmental disorder, autosomal dominant 1. Last evaluated: 2018-11-07. Review status: criteria provided, single submitter. Criteria: Invitae Variant Classification Sherloc (09022015). Collection method: clinical testing. Allele origin: germline.
Comment: For these reasons, this variant has been classified as Pathogenic. Donor and acceptor splice site variants typically lead to a loss of protein function (PMID: 16199547), and loss-of-function variants in MBD5 are known to be pathogenic (PMID: 23422940, 23587880). Algorithms developed to predict the effect of sequence changes on RNA splicing suggest that this variant may disrupt the consensus splice site, but this prediction has not been confirmed by published transcriptional studies. ClinVar contains an entry for this variant (Variation ID: 536667). This variant is not present in population databases (ExAC no frequency). This sequence change affects a donor splice site in intron 8 of the MBD5 gene. It is expected to disrupt RNA splicing and likely results in an absent or disrupted protein product.

Literature cited by the submitters: PubMed 16199547 (cited by Labcorp Genetics (formerly Invitae), Labcorp); PubMed 23422940 (cited by Labcorp Genetics (formerly Invitae), Labcorp); PubMed 23587880 (cited by Labcorp Genetics (formerly Invitae), Labcorp).

NM_001378120.1(MBD5):c.397+1G>A

Gene: MBD5 (methyl-CpG binding domain protein 5; plus strand). Cytogenetic location: 2q23.1.
Variant type: single nucleotide variant.
Coding change: c.397+1G>A on transcript NM_001378120.1 (MANE Select); the canonical splice donor site of the intron after coding-DNA position 397, G replaced by A.
Molecular consequence: splice donor variant.
Genome position (GRCh38, 1-based): chr2:148,463,920, G>A. VCF-style: chr2-148463920-G-A. GRCh37 (hg19) VCF-style: chr2-149221489-G-A.
Other names: c.397+1G>A (NM_018328.5).
Identifiers: ClinVar variation 536667 (VCV000536667.18), dbSNP rs1553517991, ClinGen allele CA348716700.